The following is an entry in ClinVar:

ClinVar aggregate classification (germline): Pathogenic (1 of 4 stars; one submission).

Conditions:
Hereditary cancer-predisposing syndrome. Also called: Neoplastic Syndromes, Hereditary; Tumor predisposition; Hereditary Cancer Syndrome; Hereditary neoplastic syndrome. Identifiers: Orphanet 140162, MedGen C0027672, MeSH D009386, MONDO:0015356.

Submission:

Ambry Genetics
Classification: Pathogenic for Hereditary cancer-predisposing syndrome. Last evaluated: 2021-12-13. Review status: criteria provided, single submitter. Criteria: Ambry Variant Classification Scheme 2023. Collection method: clinical testing. Allele origin: germline.
Comment: The c.3578delA pathogenic mutation, located in coding exon 20 of the DICER1 gene, results from a deletion of one nucleotide at nucleotide position 3578, causing a translational frameshift with a predicted alternate stop codon (p.N1193Tfs*10). This alteration is expected to result in loss of function by premature protein truncation or nonsense-mediated mRNA decay. As such, this alteration is interpreted as a disease-causing mutation.

NM_177438.3(DICER1):c.3578del (p.Asn1193fs)

Gene: DICER1 (dicer 1, ribonuclease III; minus strand). Cytogenetic location: 14q32.13.
Variant type: Deletion.
Coding change: c.3578del on transcript NM_177438.3 (MANE Select); coding-DNA position 3578, one base deleted (A; older notation c.3578delA).
Protein change: p.Asn1193fs; shifts the reading frame from asparagine 1193.
Molecular consequence: frameshift variant. On other transcripts: non-coding transcript variant (6).
Genome position (GRCh38, 1-based): chr14:95,103,818, T deleted on the plus strand (A on the coding strand, the reverse complement: DICER1 is on the minus strand); the first of 2 consecutive T bases (chr14:95,103,818-95,103,819); deleting either gives the same sequence. VCF-style (leftmost placement, unchanged base first): chr14-95103817-GT-G. GRCh37 (hg19) VCF-style: chr14-95570154-GT-G.
Other names: c.1895del, p.Asn632fs (NM_001395697.1); c.3578del, p.Asn1193fs (NM_030621.4, NM_001195573.1, NM_001271282.3 and 12 more transcripts); c.3578delA (NM_177438.2); c.3577delA, p.Asn1193Thrfs (NM_001395681.1); c.3296del, p.Asn1099fs (NM_001395686.1); c.3173del, p.Asn1058fs (NM_001395687.1, NM_001395688.1, NM_001395689.1 and 2 more transcripts); c.3011del, p.Asn1004fs (NM_001395691.1); short protein forms N1099fs, N1193fs, N1004fs, N1058fs, N632fs.
Identifiers: ClinVar variation 1732843 (VCV001732843.2), dbSNP rs2542707708, ClinGen allele CA2580088971.